The following is an entry in ClinVar:

ClinVar aggregate classification (germline): Benign/Likely benign. Review status: criteria provided, multiple submitters, no conflicts (2 of 4 stars). 7 submissions from 7 submitters: Benign (6); Likely benign (1). Last evaluated 2024-11-27.

Conditions:
Polycystic liver disease 1 (PCLD1). Also called: Polycystic liver disease 1 with or without kidney cysts. Identifiers: Orphanet 2924, MedGen C0887850, MONDO:0008265, OMIM 174050.
Polycystic liver disease 2 (PCLD2). Also called: Polycystic liver disease 2 with or without kidney cysts. Identifiers: Orphanet 2924, MedGen C4310769, MONDO:0014860, OMIM 617004.

Submissions (7):

Blueprint Genetics
Classification: Benign. Last evaluated: 2024-11-27. Review status: criteria provided, single submitter. Criteria: ACMG Guidelines, 2015. Collection method: clinical testing. Allele origin: germline.

Mayo Clinic Laboratories, Mayo Clinic
Classification: Benign. Last evaluated: 2024-11-04. Review status: criteria provided, single submitter. Criteria: ACMG Guidelines, 2015. Collection method: clinical testing. Allele origin: germline. Observed: 186 variant alleles.
Comment: BA1

Fulgent Genetics
Classification: Likely benign for Polycystic liver disease 2. Last evaluated: 2021-09-14. Review status: criteria provided, single submitter. Criteria: ACMG Guidelines, 2015. Collection method: clinical testing. Allele origin: unknown.

Genome-Nilou Lab
Classification: Benign for Polycystic liver disease 2. Last evaluated: 2021-07-15. Review status: criteria provided, single submitter. Criteria: ACMG Guidelines, 2015. Collection method: clinical testing. Allele origin: germline. Affected: no.

GeneDx
Classification: Benign. Last evaluated: 2020-04-01. Review status: criteria provided, single submitter. Criteria: GeneDx Variant Classification Process June 2021. Collection method: clinical testing. Allele origin: germline. Affected: yes.

Genome Diagnostics Laboratory, University Medical Center Utrecht
Classification: Benign for Polycystic liver disease 1. Last evaluated: 2016-05-27. Review status: criteria provided, single submitter. Criteria: ACGS Guidelines, 2013. Collection method: clinical testing. Allele origin: germline. Affected: yes. Study: VKGL Data-share Consensus.

Clinical Genetics DNA and cytogenetics Diagnostics Lab, Erasmus MC, Erasmus Medical Center
Classification: Benign for Polycystic liver disease 1. Last evaluated: 2016-05-10. Review status: criteria provided, single submitter. Criteria: ACGS Guidelines, 2013. Collection method: clinical testing. Allele origin: germline. Affected: yes. Study: VKGL Data-share Consensus.

NM_007214.5(SEC63):c.340-12_340-8del

Gene: SEC63 (SEC63 protein translocation regulator; minus strand). Cytogenetic location: 6q21.
Variant type: Deletion.
Coding change: c.340-12_340-8del on transcript NM_007214.5 (MANE Select); 12 bases into the intron before coding-DNA position 340 through 8 bases into the intron before coding-DNA position 340, 5 bases deleted (GTTTT; older notation c.340-12_340-8delGTTTT).
Molecular consequence: intron variant.
Genome position (GRCh38, 1-based): chr6:107,921,917-107,921,921, AAAAC deleted on the plus strand (GTTTT on the coding strand, the reverse complement: SEC63 is on the minus strand); deleting any 5 consecutive bases within chr6:107,921,917-107,921,925 gives the same sequence; the c. name uses the placement nearest the transcript's 3' end. VCF-style (leftmost placement, unchanged base first): chr6-107921916-AAAAAC-A. GRCh37 (hg19) VCF-style: chr6-108243120-AAAAAC-A.
Other names: p.?; c.340-12_340-8delGTTTT (NM_007214.4).
Identifiers: ClinVar variation 522188 (VCV000522188.8), dbSNP rs747514864, ClinGen allele CA3947742.